The following is an entry in ClinVar:

NM_020699.4(GATAD2B):c.919C>G (p.Pro307Ala)

Gene: GATAD2B (GATA zinc finger domain containing 2B; minus strand). Cytogenetic location: 1q21.3.
Variant type: single nucleotide variant.
Coding change: c.919C>G on transcript NM_020699.4 (MANE Select); coding-DNA position 919, C replaced by G.
Protein change: p.Pro307Ala; replaces proline 307 with alanine.
Molecular consequence: missense variant.
Genome position (GRCh38, 1-based): chr1:153,816,570, G>C on the plus strand (C>G on the coding strand, the complement: GATAD2B is on the minus strand). VCF-style: chr1-153816570-G-C. GRCh37 (hg19) VCF-style: chr1-153789046-G-C.
Other names: short protein forms P307A.
Identifiers: ClinVar variation 1946665 (VCV001946665.5), dbSNP rs775235865, ClinGen allele CA1120726.

ClinVar aggregate classification (germline): Uncertain significance (1 of 4 stars; one submission).

Allele frequency attached by ClinVar (database versions not stated): ExAC 0.00001; gnomAD exomes 0.00002.
gnomAD v4.1: 26 of 1,609,944 alleles (0.0016%); highest among the groups gnomAD compares: Non-Finnish European, 0.0022%; no homozygotes.

Submission:

Labcorp Genetics (formerly Invitae), Labcorp
Classification: Uncertain significance. Last evaluated: 2022-08-22. Review status: criteria provided, single submitter. Criteria: Invitae Variant Classification Sherloc (09022015). Collection method: clinical testing. Allele origin: germline.
Comment: This variant is present in population databases (rs775235865, gnomAD 0.004%). In summary, the available evidence is currently insufficient to determine the role of this variant in disease. Therefore, it has been classified as a Variant of Uncertain Significance. Algorithms developed to predict the effect of missense changes on protein structure and function are either unavailable or do not agree on the potential impact of this missense change (SIFT: "Not Available"; PolyPhen-2: "Benign"; Align-GVGD: "Not Available"). This variant has not been reported in the literature in individuals affected with GATAD2B-related conditions. This sequence change replaces proline, which is neutral and non-polar, with alanine, which is neutral and non-polar, at codon 307 of the GATAD2B protein (p.Pro307Ala).